The following is an entry in ClinVar:

NM_001371986.1(UNC80):c.5648C>T (p.Ala1883Val)

Gene: UNC80 (unc-80 subunit of NALCN channel complex; plus strand). Cytogenetic location: 2q34.
Variant type: single nucleotide variant.
Coding change: c.5648C>T on transcript NM_001371986.1 (MANE Select); coding-DNA position 5648, C replaced by T.
Protein change: p.Ala1883Val; replaces alanine 1883 with valine.
Molecular consequence: missense variant.
Genome position (GRCh38, 1-based): chr2:209,922,369, C>T. VCF-style: chr2-209922369-C-T. GRCh37 (hg19) VCF-style: chr2-210787093-C-T.
Other names: c.5450C>T, p.Ala1817Val (NM_032504.2); c.5435C>T, p.Ala1812Val (NM_182587.4); short protein forms A1817V, A1883V, A1812V.
Identifiers: ClinVar variation 1363397 (VCV001363397.4), dbSNP rs1009754672, ClinGen allele CA350763153.
Genomic context (GRCh38, chr2:209,922,369, plus strand): 5'-CCAGCACTTCCCACAGGAATTATTCCTTCCGCCGCGGGTCAGTCTGGTCAGTGCGTTCAG[C>T]CGTCAGTGCTGAAGGTGTGTCCTCTTGCATACGTTTTATTTCTCCTGACTTATGTGTTTT-3'
Protein context (NP_001358915.1, residues 1873-1893): RRGSVWSVRS[Ala1883Val]VSAEDEEHTT

ClinVar aggregate classification (germline): Uncertain significance (1 of 4 stars; one submission).

Allele frequency attached by ClinVar (database versions not stated): gnomAD exomes 0.00001; gnomAD 0.00001.
gnomAD v4.1: 10 of 1,551,554 alleles (0.00064%); highest among the groups gnomAD compares: Middle Eastern, 0.067%; no homozygotes.

Submission:

Labcorp Genetics (formerly Invitae), Labcorp
Classification: Uncertain significance. Last evaluated: 2025-08-18. Review status: criteria provided, single submitter. Criteria: Invitae Variant Classification Sherloc (09022015). Collection method: clinical testing. Allele origin: germline.
Comment: This sequence change replaces alanine with valine at codon 1817 of the UNC80 protein (p.Ala1817Val). The alanine residue is weakly conserved and there is a small physicochemical difference between alanine and valine. This variant is not present in population databases (gnomAD no frequency). This variant has not been reported in the literature in individuals affected with UNC80-related conditions. ClinVar contains an entry for this variant (Variation ID: 1363397). Invitae Evidence Modeling of protein sequence and biophysical properties (such as structural, functional, and spatial information, amino acid conservation, physicochemical variation, residue mobility, and thermodynamic stability) indicates that this missense variant is not expected to disrupt UNC80 protein function with a negative predictive value of 80%. In summary, the available evidence is currently insufficient to determine the role of this variant in disease. Therefore, it has been classified as a Variant of Uncertain Significance.